The following is an entry in ClinVar:

NM_000211.5(ITGB2):c.1126G>A (p.Asp376Asn)

Gene: ITGB2 (integrin subunit beta 2; minus strand). Cytogenetic location: 21q22.3.
Variant type: single nucleotide variant.
Coding change: c.1126G>A on transcript NM_000211.5 (MANE Select); coding-DNA position 1126, G replaced by A.
Protein change: p.Asp376Asn; replaces aspartic acid 376 with asparagine.
Molecular consequence: missense variant.
Genome position (GRCh38, 1-based): chr21:44,893,502, C>T on the plus strand (G>A on the coding strand, the complement: ITGB2 is on the minus strand). VCF-style: chr21-44893502-C-T. GRCh37 (hg19) VCF-style: chr21-46313417-C-T.
Other names: c.1126G>A, p.Asp376Asn (NM_001127491.3); c.919G>A, p.Asp307Asn (NM_001303238.2); c.1126G>A (NM_000211.3); short protein forms D307N, D376N.
Identifiers: ClinVar variation 1051377 (VCV001051377.7), dbSNP rs371120443, ClinGen allele CA10062919.

ClinVar aggregate classification (germline): Uncertain significance. Review status: criteria provided, multiple submitters, no conflicts (2 of 4 stars). 2 submissions from 2 submitters: Uncertain significance (2). Last evaluated 2024-05-07.

Conditions:
Inborn genetic diseases. Identifiers: MedGen C0950123, MeSH D030342.
Leukocyte adhesion deficiency 1 (LAD1). Also called: LEUKOCYTE ADHESION DEFICIENCY, TYPE I; LAD 1; Lymphocyte function-associated antigen 1 immunodeficiency; LFA 1 immunodeficiency. Identifiers: Orphanet 2968, Orphanet 99842, MedGen C0398738, MONDO:0007293, OMIM 116920.

Allele frequency attached by ClinVar (database versions not stated): ExAC 0.00001; gnomAD exomes 0.00001; gnomAD 0.00002; TOPMed 0.00002; ESP Exome Variant Server 0.00008.
gnomAD v4.1: 28 of 1,613,912 alleles (0.0017%); highest among the groups gnomAD compares: South Asian, 0.0055%; no homozygotes.

Submissions (2):

Ambry Genetics
Classification: Uncertain significance for Inborn genetic diseases. Last evaluated: 2024-05-07. Review status: criteria provided, single submitter. Criteria: Ambry Variant Classification Scheme 2023. Collection method: clinical testing. Allele origin: germline.

Labcorp Genetics (formerly Invitae), Labcorp
Classification: Uncertain significance for Leukocyte adhesion deficiency 1. Last evaluated: 2022-08-23. Review status: criteria provided, single submitter. Criteria: Invitae Variant Classification Sherloc (09022015). Collection method: clinical testing. Allele origin: germline.
Comment: This sequence change replaces aspartic acid, which is acidic and polar, with asparagine, which is neutral and polar, at codon 376 of the ITGB2 protein (p.Asp376Asn). This variant is present in population databases (rs371120443, gnomAD 0.006%). This variant has not been reported in the literature in individuals affected with ITGB2-related conditions. ClinVar contains an entry for this variant (Variation ID: 1051377). Algorithms developed to predict the effect of missense changes on protein structure and function are either unavailable or do not agree on the potential impact of this missense change (SIFT: "Deleterious"; PolyPhen-2: "Benign"; Align-GVGD: "Class C15"). In summary, the available evidence is currently insufficient to determine the role of this variant in disease. Therefore, it has been classified as a Variant of Uncertain Significance.